The following is an entry in ClinVar:

ClinVar aggregate classification (germline): Uncertain significance (1 of 4 stars; one submission).

Conditions:
Inborn genetic diseases. Identifiers: MedGen C0950123, MeSH D030342.

Submission:

Ambry Genetics
Classification: Uncertain significance for Inborn genetic diseases. Last evaluated: 2025-06-19. Review status: criteria provided, single submitter. Criteria: Ambry Variant Classification Scheme 2023. Collection method: clinical testing. Allele origin: germline.
Comment: The p.L185P variant (also known as c.554T>C), located in coding exon 6 of the FANCA gene, results from a T to C substitution at nucleotide position 554. The leucine at codon 185 is replaced by proline, an amino acid with similar properties. This amino acid position is conserved. In addition, this alteration is predicted to be deleterious by in silico analysis. Based on the available evidence, the clinical significance of this variant remains unclear.

NM_000135.4(FANCA):c.554T>C (p.Leu185Pro)

Gene: FANCA (FA complementation group A; minus strand). Cytogenetic location: 16q24.3.
Variant type: single nucleotide variant.
Coding change: c.554T>C on transcript NM_000135.4 (MANE Select); coding-DNA position 554, T replaced by C.
Protein change: p.Leu185Pro; replaces leucine 185 with proline.
Molecular consequence: missense variant.
Genome position (GRCh38, 1-based): chr16:89,808,336, A>G on the plus strand (T>C on the coding strand, the complement: FANCA is on the minus strand). VCF-style: chr16-89808336-A-G. GRCh37 (hg19) VCF-style: chr16-89874744-A-G.
Other names: c.554T>C, p.Leu185Pro (NM_001018112.3, NM_001286167.3); c.458T>C, p.Leu153Pro (NM_001351830.2); short protein forms L153P, L185P.
Identifiers: ClinVar variation 4254134 (VCV004254134.1).